The following is an entry in ClinVar:

ClinVar aggregate classification (germline): Uncertain significance (0 of 4 stars; one submission).

Submission:

Department of Pathology and Laboratory Medicine, Sinai Health System
Classification: Uncertain significance. Review status: no assertion criteria provided. Collection method: clinical testing. Allele origin: unknown. Affected: yes. Study: The Canadian Open Genetics Repository (COGR).
Comment: The CXCR1 p.Arg227Ser variant was not identified in the literature nor was it identified in dbSNP, ClinVar, Cosmic or LOVD 3.0. The variant was not identified in the following control databases: the 1000 Genomes Project, the NHLBI GO Exome Sequencing Project, the Exome Aggregation Consortium (August 8th 2016), or the Genome Aggregation Database (March 6, 2019, v2.1.1). The p.Arg227 residue is not conserved in mammals and four out of five computational analyses (PolyPhen-2, SIFT, AlignGVGD, BLOSUM, MutationTaster) do not suggest a high likelihood of impact to the protein; however, this information is not predictive enough to rule out pathogenicity. The variant occurs outside of the splicing consensus sequence and 1 of 4 in silico or computational prediction software programs (SpliceSiteFinder, MaxEntScan, NNSPLICE, GeneSplicer) predict a greater than 10% difference in splicing; this is not very predictive of pathogenicity. In summary, based on the above information the clinical significance of this variant cannot be determined with certainty at this time. This variant is classified as a variant of uncertain significance.

NM_000634.3(CXCR1):c.679C>A (p.Arg227Ser)

Gene: CXCR1 (C-X-C motif chemokine receptor 1; minus strand). Cytogenetic location: 2q35.
Variant type: single nucleotide variant.
Coding change: c.679C>A on transcript NM_000634.3 (MANE Select); coding-DNA position 679, C replaced by A.
Protein change: p.Arg227Ser; replaces arginine 227 with serine.
Molecular consequence: missense variant.
Genome position (GRCh38, 1-based): chr2:218,164,533, G>T on the plus strand (C>A on the coding strand, the complement: CXCR1 is on the minus strand). VCF-style: chr2-218164533-G-T. GRCh37 (hg19) VCF-style: chr2-219029256-G-T.
Other names: short protein forms R227S.
Identifiers: ClinVar variation 1049412 (VCV001049412.1), dbSNP rs762358420, ClinGen allele CA350522767.
Genomic context (GRCh38, chr2:218,164,533, plus strand): 5'-CAGCAAAGATGACCCTCATGGCTCGGTGCTTCTGCCCCATGTGGGCCTTAAACAGTGTAC[G>T]CAGGGTGAATCCATAGCAGAACAGCATGACAAACAGCGGCACGATGAAGCCAAAGGTGTG-3'
Protein context (NP_000625.1, residues 217-237): VMLFCYGFTL[Arg227Ser]TLFKAHMGQK